The following is an entry in ClinVar:

NM_001142864.4(PIEZO1):c.7426C>T (p.Arg2476Cys)

Gene: PIEZO1 (piezo type mechanosensitive ion channel component 1 (Er blood group); minus strand). Cytogenetic location: 16q24.3.
Variant type: single nucleotide variant.
Coding change: c.7426C>T on transcript NM_001142864.4 (MANE Select); coding-DNA position 7426, C replaced by T.
Protein change: p.Arg2476Cys; replaces arginine 2476 with cysteine.
Molecular consequence: missense variant.
Genome position (GRCh38, 1-based): chr16:88,715,745, G>A on the plus strand (C>T on the coding strand, the complement: PIEZO1 is on the minus strand). VCF-style: chr16-88715745-G-A. GRCh37 (hg19) VCF-style: chr16-88782153-G-A.
Other names: short protein forms R2476C.
Identifiers: ClinVar variation 712201 (VCV000712201.33), dbSNP rs144035770, ClinGen allele CA8231316.

ClinVar aggregate classification (germline): Conflicting classifications of pathogenicity. Review status: criteria provided, conflicting classifications (1 of 4 stars). 6 submissions from 6 submitters: Uncertain significance (1); Likely benign (4). 1 of the submissions does not count toward it. Last evaluated 2025-12-09.

Conditions:
PIEZO1-related disorder. Also called: PIEZO1-related condition; PIEZO1-Related Disorders.

Allele frequency attached by ClinVar (database versions not stated): gnomAD exomes 0.00025 and 0.00048; ExAC 0.00057; 1000 Genomes Project 30x 0.00156; gnomAD 0.00210 and 0.00225; 1000 Genomes Project 0.00220; TOPMed 0.00236; ESP Exome Variant Server 0.00241.
gnomAD v4.1: 701 of 1,550,448 alleles (0.045%); highest among the groups gnomAD compares: African/African-American, 0.74%; 2 homozygotes.

Submissions (6):

Mayo Clinic Laboratories, Mayo Clinic
Classification: Uncertain significance. Last evaluated: 2025-12-09. Review status: criteria provided, single submitter. Criteria: ACMG Guidelines, 2015. Collection method: clinical testing. Allele origin: germline. Observed: 11 variant alleles.
Comment: PP3

CeGaT Center for Human Genetics Tuebingen
Classification: Likely benign. Last evaluated: 2025-11-01. Review status: criteria provided, single submitter. Criteria: CeGaT Center For Human Genetics Tuebingen Variant Classification Criteria Version 2. Collection method: clinical testing. Allele origin: germline. Affected: yes. Observed: 2 variant alleles.
Comment: PIEZO1: PP3, BS1

Labcorp Genetics (formerly Invitae), Labcorp
Classification: Likely benign. Last evaluated: 2025-08-08. Review status: criteria provided, single submitter. Criteria: Invitae Variant Classification Sherloc (09022015). Collection method: clinical testing. Allele origin: germline.

Blueprint Genetics
Classification: Likely benign. Last evaluated: 2024-09-09. Review status: criteria provided, single submitter. Criteria: ACMG Guidelines, 2015. Collection method: clinical testing. Allele origin: germline.

ARUP Laboratories, Molecular Genetics and Genomics, ARUP Laboratories
Classification: Likely benign. Last evaluated: 2023-07-26. Review status: criteria provided, single submitter. Criteria: ARUP Molecular Germline Variant Investigation Process 2024. Collection method: clinical testing. Allele origin: germline.

PreventionGenetics, part of Exact Sciences
Classification: Likely benign for PIEZO1-related condition. Last evaluated: 2022-02-03. Review status: no assertion criteria provided. Collection method: clinical testing. Allele origin: germline. Not counted in ClinVar's aggregate classification.
Comment: This variant is classified as likely benign based on ACMG/AMP sequence variant interpretation guidelines (Richards et al. 2015 PMID: 25741868, with internal and published modifications).

Literature cited by the submitters: PubMed 37400730 (cited by Mayo Clinic Laboratories, Mayo Clinic).